The following is an entry in ClinVar:

NM_002317.7(LOX):c.1034A>G (p.Gln345Arg)

Genes: LOX (lysyl oxidase; minus strand), SRFBP1 (serum response factor binding protein 1; plus strand). Cytogenetic location: 5q23.1.
Variant type: single nucleotide variant.
Coding change: c.1034A>G on transcript NM_002317.7 (MANE Select); coding-DNA position 1034, A replaced by G.
Protein change: p.Gln345Arg; replaces glutamine 345 with arginine.
Molecular consequence: missense variant.
Genome position (GRCh38, 1-based): chr5:122,074,014, T>C on the plus strand (A>G on the coding strand, the complement: LOX is on the minus strand). VCF-style: chr5-122074014-T-C. GRCh37 (hg19) VCF-style: chr5-121409709-T-C.
Other names: c.344A>G, p.Gln115Arg (NM_001178102.2); c.143A>G, p.Gln48Arg (NM_001317073.1); short protein forms Q48R, Q345R, Q115R.
Identifiers: ClinVar variation 1772033 (VCV001772033.2), dbSNP rs2532908125, ClinGen allele CA360881270.

ClinVar aggregate classification (germline): Uncertain significance (1 of 4 stars; one submission).

Conditions:
Cardiovascular phenotype. Identifiers: MedGen CN230736.

Submission:

Ambry Genetics
Classification: Uncertain significance for Cardiovascular phenotype. Last evaluated: 2021-07-01. Review status: criteria provided, single submitter. Criteria: Ambry Variant Classification Scheme 2023. Collection method: clinical testing. Allele origin: germline.
Comment: The p.Q345R variant (also known as c.1034A>G), located in coding exon 4 of the LOX gene, results from an A to G substitution at nucleotide position 1034. The glutamine at codon 345 is replaced by arginine, an amino acid with highly similar properties. This amino acid position is conserved. In addition, this alteration is predicted to be deleterious by in silico analysis. Since supporting evidence is limited at this time, the clinical significance of this alteration remains unclear.